The following is an entry in ClinVar:

ClinVar aggregate classification (germline): Uncertain significance. Review status: criteria provided, multiple submitters, no conflicts (2 of 4 stars). 2 submissions from 2 submitters: Uncertain significance (2). Last evaluated 2023-10-01.

Conditions:
Retinal dystrophy. Also called: Inherited retinal dystrophy. Identifiers: Orphanet 71862, MedGen C0854723, MeSH D058499, MONDO:0019118, HP:0000556.

Allele frequency attached by ClinVar (database versions not stated): gnomAD 0.00001; gnomAD exomes 0.00001.
gnomAD v4.1: 6 of 1,549,684 alleles (0.00039%); highest among the groups gnomAD compares: East Asian, 0.0098%; no homozygotes.

Submissions (2):

Dept Of Ophthalmology, Nagoya University
Classification: Uncertain significance for Retinal dystrophy. Last evaluated: 2023-10-01. Review status: criteria provided, single submitter. Criteria: Submitter's publication. Collection method: research. Allele origin: germline. Affected: yes.

Labcorp Genetics (formerly Invitae), Labcorp
Classification: Uncertain significance. Last evaluated: 2021-11-11. Review status: criteria provided, single submitter. Criteria: Invitae Variant Classification Sherloc (09022015). Collection method: clinical testing. Allele origin: germline.
Comment: In summary, the available evidence is currently insufficient to determine the role of this variant in disease. Therefore, it has been classified as a Variant of Uncertain Significance. Algorithms developed to predict the effect of missense changes on protein structure and function output the following: SIFT: "Tolerated"; PolyPhen-2: "Benign"; Align-GVGD: "Class C0". The glutamic acid amino acid residue is found in multiple mammalian species, which suggests that this missense change does not adversely affect protein function. This variant has not been reported in the literature in individuals affected with EYS-related conditions. This variant is present in population databases (no rsID available, gnomAD no frequency). This sequence change replaces lysine, which is basic and polar, with glutamic acid, which is acidic and polar, at codon 776 of the EYS protein (p.Lys776Glu).

NM_001142800.2(EYS):c.2326A>G (p.Lys776Glu)

Gene: EYS (eyes shut homolog; minus strand). Cytogenetic location: 6q12.
Variant type: single nucleotide variant.
Coding change: c.2326A>G on transcript NM_001142800.2 (MANE Select); coding-DNA position 2326, A replaced by G.
Protein change: p.Lys776Glu; replaces lysine 776 with glutamic acid.
Molecular consequence: missense variant.
Genome position (GRCh38, 1-based): chr6:64,945,848, T>C on the plus strand (A>G on the coding strand, the complement: EYS is on the minus strand). VCF-style: chr6-64945848-T-C. GRCh37 (hg19) VCF-style: chr6-65655741-T-C.
Other names: c.2326A>G, p.Lys776Glu (NM_001292009.2); short protein forms K776E.
Identifiers: ClinVar variation 1490449 (VCV001490449.5), dbSNP rs1393913948, ClinGen allele CA364788138.
Genomic context (GRCh38, chr6:64,945,848, plus strand): 5'-CTCACCGATAGCTTTTGTAAAGGTCAGTACAGGTGGAATTGTTCTTGCAAGGATTCATTT[T>C]ACACTCATTGGATTCTTGTTCACAAAAATTTCCTTCCCAATCAGATAGGCACACACACTG-3'
Protein context (NP_001136272.1, residues 766-786): NFCEQESNEC[Lys776Glu]MNPCKNNSTC